The following is an entry in ClinVar:

ClinVar aggregate classification (germline): Uncertain significance. Review status: criteria provided, multiple submitters, no conflicts (2 of 4 stars). 3 submissions from 3 submitters: Uncertain significance (3). Last evaluated 2025-02-27.

Conditions:
HSD17B4-related disorder. Also called: HSD17B4-related condition; HSD17B4-related disorders.
Perrault syndrome. Also called: Gonadal dysgenesis with auditory dysfunction, autosomal recessive inheritance. Identifiers: Orphanet 2855, MedGen C0685838, MONDO:0017312.
Bifunctional peroxisomal enzyme deficiency (DBIF). Also called: DBP DEFICIENCY; PBFE DEFICIENCY; D-bifunctional protein deficiency. Identifiers: Orphanet 300, MedGen C0342870, MONDO:0009855, OMIM 261515. Disease mechanism: loss of function.

Allele frequency attached by ClinVar (database versions not stated): ExAC 0.00001; gnomAD exomes 0.00003.
gnomAD v4.1: 41 of 1,610,660 alleles (0.0025%); highest among the groups gnomAD compares: Non-Finnish European, 0.0034%; no homozygotes.

Submissions (3):

PreventionGenetics, part of Exact Sciences
Classification: Uncertain significance for HSD17B4-related condition. Last evaluated: 2025-02-27. Review status: criteria provided, single submitter. Criteria: ACMG Guidelines, 2015. Collection method: clinical testing. Allele origin: germline.
Comment: The HSD17B4 c.1805A>G variant is predicted to result in the amino acid substitution p.Tyr602Cys. To our knowledge, this variant has not been reported in the literature. This variant is reported in 0.0018% of alleles in individuals of European (Non-Finnish) descent in gnomAD. At this time, the clinical significance of this variant is uncertain due to the absence of conclusive functional and genetic evidence.

GeneDx
Classification: Uncertain significance. Last evaluated: 2024-06-17. Review status: criteria provided, single submitter. Criteria: GeneDx Variant Classification Process June 2021. Collection method: clinical testing. Allele origin: germline. Affected: yes.
Comment: Not observed at significant frequency in large population cohorts (gnomAD); In silico analysis supports that this missense variant has a deleterious effect on protein structure/function; Has not been previously published as pathogenic or benign to our knowledge

Labcorp Genetics (formerly Invitae), Labcorp
Classification: Uncertain significance for Perrault syndrome; Bifunctional peroxisomal enzyme deficiency. Last evaluated: 2021-08-27. Review status: criteria provided, single submitter. Criteria: Invitae Variant Classification Sherloc (09022015). Collection method: clinical testing. Allele origin: germline.
Comment: This sequence change replaces tyrosine with cysteine at codon 602 of the HSD17B4 protein (p.Tyr602Cys). The tyrosine residue is highly conserved and there is a large physicochemical difference between tyrosine and cysteine. This variant is present in population databases (rs760476837, ExAC 0.002%). This variant has not been reported in the literature in individuals affected with HSD17B4-related conditions. Algorithms developed to predict the effect of missense changes on protein structure and function are either unavailable or do not agree on the potential impact of this missense change (SIFT: "Deleterious"; PolyPhen-2: "Probably Damaging"; Align-GVGD: "Class C0"). In summary, the available evidence is currently insufficient to determine the role of this variant in disease. Therefore, it has been classified as a Variant of Uncertain Significance.

NM_000414.4(HSD17B4):c.1805A>G (p.Tyr602Cys)

Gene: HSD17B4 (hydroxysteroid 17-beta dehydrogenase 4; plus strand). Cytogenetic location: 5q23.1.
Variant type: single nucleotide variant.
Coding change: c.1805A>G on transcript NM_000414.4 (MANE Select); coding-DNA position 1805, A replaced by G.
Protein change: p.Tyr602Cys; replaces tyrosine 602 with cysteine.
Molecular consequence: missense variant. On other transcripts: non-coding transcript variant (2).
Genome position (GRCh38, 1-based): chr5:119,529,931, A>G. VCF-style: chr5-119529931-A-G. GRCh37 (hg19) VCF-style: chr5-118865626-A-G.
Other names: c.1478A>G, p.Tyr493Cys (NM_001374499.1); c.1364A>G, p.Tyr455Cys (NM_001374500.1); c.1394A>G, p.Tyr465Cys (NM_001374501.1, NM_001374502.1, NM_001374503.1); c.1805A>G (NM_000414.3); c.1880A>G, p.Tyr627Cys (NM_001199291.3); c.1751A>G, p.Tyr584Cys (NM_001199292.2); c.1733A>G, p.Tyr578Cys (NM_001292027.2, NM_001374498.1); c.1385A>G, p.Tyr462Cys (NM_001292028.2); and 1 more; short protein forms Y462C, Y578C, Y465C, Y493C, Y584C, Y602C, Y455C, Y599C.
Identifiers: ClinVar variation 2158438 (VCV002158438.3), dbSNP rs760476837, ClinGen allele CA3382406.